The following is an entry in ClinVar:

ClinVar aggregate classification (germline): Benign. Review status: criteria provided, multiple submitters, no conflicts (2 of 4 stars). 11 submissions from 11 submitters: Benign (10). 1 of the submissions does not count toward it. Last evaluated 2026-02-04.

Conditions:
Ataxia-telangiectasia-like disorder (ATLD). Identifiers: MedGen C1858391, MONDO:0011457.
Hereditary cancer-predisposing syndrome. Also called: Tumor predisposition; Neoplastic Syndromes, Hereditary; Hereditary Cancer Syndrome; Hereditary neoplastic syndrome. Identifiers: Orphanet 140162, MedGen C0027672, MeSH D009386, MONDO:0015356.
Hereditary breast ovarian cancer syndrome. Also called: Hereditary breast and ovarian cancer; Hereditary breast and/or ovarian cancer syndrome; BRCA1- and BRCA2-Associated Hereditary Breast and Ovarian Cancer; Breast and ovarian cancer; Hereditary breast and ovarian cancer syndrome; Hereditary breast and ovarian cancer syndrome (HBOC). Identifiers: Orphanet 145, MedGen C0677776, MeSH D061325, MONDO:0003582. Disease mechanism: loss of function.
Ataxia-telangiectasia-like disorder 1 (ATLD1). Identifiers: Orphanet 251347, MedGen C4012790, MONDO:0024557, OMIM 604391.

Allele frequency attached by ClinVar (database versions not stated): gnomAD exomes 0.35155 and 0.38152; ESP Exome Variant Server 0.35213; gnomAD 0.36577 and 0.36920; TOPMed 0.36952; ExAC 0.37831; 1000 Genomes Project 30x 0.38804; 1000 Genomes Project 0.38878.
gnomAD v4.1: 568,491 of 1,608,042 alleles (35%); highest among the groups gnomAD compares: Middle Eastern, 44%; 102,067 homozygotes.

Submissions (11):

Labcorp Genetics (formerly Invitae), Labcorp
Classification: Benign for Ataxia-telangiectasia-like disorder. Last evaluated: 2026-02-04. Review status: criteria provided, single submitter. Criteria: Invitae Variant Classification Sherloc (09022015). Collection method: clinical testing. Allele origin: germline.

GeneKor MSA
Classification: Benign for Hereditary cancer-predisposing syndrome. Last evaluated: 2025-07-10. Review status: criteria provided, single submitter. Criteria: ACMG Guidelines, 2015. Collection method: clinical testing. Allele origin: germline.

Blueprint Genetics
Classification: Benign. Last evaluated: 2024-11-27. Review status: criteria provided, single submitter. Criteria: ACMG Guidelines, 2015. Collection method: clinical testing. Allele origin: germline.

KCCC/NGS Laboratory, Kuwait Cancer Control Center
Classification: Benign for Ataxia-telangiectasia-like disorder 1. Last evaluated: 2023-07-07. Review status: criteria provided, single submitter. Criteria: ACMG Guidelines, 2015. Collection method: clinical testing. Allele origin: germline. Affected: yes.

National Health Laboratory Service, Universitas Academic Hospital and University of the Free State
Classification: Benign for Hereditary breast ovarian cancer syndrome. Last evaluated: 2022-04-19. Review status: criteria provided, single submitter. Criteria: ACMG Guidelines, 2015. Collection method: clinical testing. Allele origin: germline. Affected: yes. Observed: 194 variant alleles.

Women's Health and Genetics/Laboratory Corporation of America, LabCorp
Classification: Benign. Last evaluated: 2016-05-04. Review status: criteria provided, single submitter. Criteria: LabCorp Variant Classification Summary - May 2015. Collection method: clinical testing. Allele origin: germline.
Comment: Variant summary: c.1225+19T>C in MRE11A gene is an intronic change that involves a non-conserved nucleotide. 5/5 programs in Alamut predict that this variant does not affect normal splicing, however no functional studies supporting this notion were published at the time of evaluation. The variant is present in the control population dataset of ExAC at frequency of 0.378 (45400/120008 chrs tested), including numerous homozygous occurrence. The observed frequencies exceed the maximum expected allele frequency for a pathogenic variant of 0.006%, suggesting that it is a benign polymorphism. The variant of interest has been reported as Benign/Polymorphism by reputable databases/clinical laboratory and in published reports (Bartkova, 2008). Taking together, based on the prevalence of this variant in general population the variant was classified as Benign.

Eurofins Ntd Llc (ga)
Classification: Benign. Last evaluated: 2015-03-04. Review status: criteria provided, single submitter. Criteria: EGL Classification Definitions 2015. Collection method: clinical testing. Allele origin: germline. Observed: 26 variant alleles, 21 heterozygotes, 5 homozygotes.

GeneDx
Classification: Benign. Last evaluated: 2015-03-03. Review status: criteria provided, single submitter. Criteria: GeneDx Variant Classification Process June 2021. Collection method: clinical testing. Allele origin: germline. Affected: yes.

Breakthrough Genomics
Classification: Benign. Review status: criteria provided, single submitter. Criteria: ACMG Guidelines, 2015. Collection method: not provided. Allele origin: germline. Inheritance: Autosomal recessive inheritance. Affected: yes.

PreventionGenetics, part of Exact Sciences
Classification: Benign. Review status: criteria provided, single submitter. Criteria: ACMG Guidelines, 2015. Collection method: clinical testing. Allele origin: germline.

Counsyl
Classification: Benign for Ataxia-telangiectasia-like disorder 1. Last evaluated: 2016-04-14. Review status: no assertion criteria provided. Collection method: clinical testing. Allele origin: unknown. Not counted in ClinVar's aggregate classification.

Literature cited by the submitters: PubMed 19383352 (cited by Women's Health and Genetics/Laboratory Corporation of America, LabCorp).

NM_005591.4(MRE11):c.1225+19T>C

Gene: MRE11 (MRE11 double strand break repair nuclease; minus strand). Cytogenetic location: 11q21.
Variant type: single nucleotide variant.
Coding change: c.1225+19T>C on transcript NM_005591.4 (MANE Select); 19 bases into the intron after coding-DNA position 1225, T replaced by C.
Molecular consequence: intron variant.
Genome position (GRCh38, 1-based): chr11:94,464,094, A>G on the plus strand (T>C on the coding strand, the complement: MRE11 is on the minus strand). VCF-style: chr11-94464094-A-G. GRCh37 (hg19) VCF-style: chr11-94197260-A-G.
Other names: c.1225+19T>C (NM_001330347.2, NM_005590.4).
Identifiers: ClinVar variation 193884 (VCV000193884.22), dbSNP rs641936, ClinGen allele CA200836.